The following is an entry in ClinVar:

ClinVar aggregate classification (germline): Likely benign (0 of 4 stars; one submission).

Conditions:
GNAS-related disorder. Identifiers: MedGen CN380105.

Allele frequency attached by ClinVar (database versions not stated): TOPMed 0.00002.
gnomAD v4.1: 39 of 1,551,214 alleles (0.0025%); highest among the groups gnomAD compares: Non-Finnish European, 0.0034%; no homozygotes.

Submission:

PreventionGenetics, part of Exact Sciences
Classification: Likely benign for GNAS-related condition. Last evaluated: 2020-01-03. Review status: no assertion criteria provided. Collection method: clinical testing. Allele origin: germline.
Comment: This variant is classified as likely benign based on ACMG/AMP sequence variant interpretation guidelines (Richards et al. 2015 PMID: 25741868, with internal and published modifications).

NM_080425.4(GNAS):c.78C>A (p.Pro26=)

Gene: GNAS (GNAS complex locus; plus strand). Cytogenetic location: 20q13.32.
Variant type: single nucleotide variant.
Coding change: c.78C>A on transcript NM_080425.4 (MANE Plus Clinical); coding-DNA position 78, C replaced by A.
Protein change: p.Pro26=; no amino-acid change (proline 26 retained).
Molecular consequence: synonymous variant. On other transcripts: 5 prime UTR variant (2), intron variant (3).
Genome position (GRCh38, 1-based): chr20:58,853,343, C>A. VCF-style: chr20-58853343-C-A. GRCh37 (hg19) VCF-style: chr20-57428398-C-A.
Other names: c.-110C>A (NM_001077490.3, NM_001309883.1); c.78C>A, p.Pro26= (NM_001410913.1); c.*42+12457C>A (NM_016592.5); c.43+12457C>A (NM_001410912.1); c.-39+11468C>A (NM_001309861.2).
Identifiers: ClinVar variation 3037572 (VCV003037572.2), dbSNP rs771863353, ClinGen allele CA316341133.